The following is an entry in ClinVar:

ClinVar aggregate classification (germline): Uncertain significance (1 of 4 stars; one submission).

Conditions:
Charcot-Marie-Tooth disease axonal type 2O. Also called: CHARCOT-MARIE-TOOTH NEUROPATHY, AXONAL, TYPE 2O; CHARCOT-MARIE-TOOTH DISEASE, AXONAL, AUTOSOMAL DOMINANT, TYPE 2O; Charcot-Marie-Tooth Neuropathy Type 2O; Charcot-Marie-Tooth disease, axonal, type 20. Identifiers: Orphanet 284232, MedGen C3280220, MONDO:0013644, OMIM 614228.

Submission:

Labcorp Genetics (formerly Invitae), Labcorp
Classification: Uncertain significance for Charcot-Marie-Tooth disease axonal type 2O. Last evaluated: 2021-03-23. Review status: criteria provided, single submitter. Criteria: Invitae Variant Classification Sherloc (09022015). Collection method: clinical testing. Allele origin: germline.
Comment: This sequence change replaces threonine with alanine at codon 1171 of the DYNC1H1 protein (p.Thr1171Ala). The threonine residue is highly conserved and there is a small physicochemical difference between threonine and alanine. This variant is not present in population databases (ExAC no frequency). This variant has been observed in individual(s) with clinical features of DYNC1H1-related conditions (Invitae). Algorithms developed to predict the effect of missense changes on protein structure and function are either unavailable or do not agree on the potential impact of this missense change (SIFT: "Deleterious"; PolyPhen-2: "Possibly Damaging"; Align-GVGD: "Class C0"). In summary, the available evidence is currently insufficient to determine the role of this variant in disease. Therefore, it has been classified as a Variant of Uncertain Significance.

NM_001376.5(DYNC1H1):c.3511A>G (p.Thr1171Ala)

Gene: DYNC1H1 (dynein cytoplasmic 1 heavy chain 1; plus strand). Cytogenetic location: 14q32.31.
Variant type: single nucleotide variant.
Coding change: c.3511A>G on transcript NM_001376.5 (MANE Select); coding-DNA position 3511, A replaced by G.
Protein change: p.Thr1171Ala; replaces threonine 1171 with alanine.
Molecular consequence: missense variant.
Genome position (GRCh38, 1-based): chr14:101,995,247, A>G. VCF-style: chr14-101995247-A-G. GRCh37 (hg19) VCF-style: chr14-102461584-A-G.
Other names: short protein forms T1171A.
Identifiers: ClinVar variation 1415846 (VCV001415846.8), dbSNP rs2141281094, ClinGen allele CA391035350.
Genomic context (GRCh38, chr14:101,995,247, plus strand): 5'-CAAGAGTTGGAGCAGCACTCAGTAGACACGGCCAGCACCTCCGATGCAGTGACCTTCATC[A>G]CCTATGTGCAGTCTTTGAAACGGAAGATCAAGCAGTTTGAGAAGCAAGTTGAGGTGAGCT-3'
Protein context (NP_001367.2, residues 1161-1181): ASTSDAVTFI[Thr1171Ala]YVQSLKRKIK